The following is an entry in ClinVar:

ClinVar aggregate classification (germline): Benign. Review status: criteria provided, multiple submitters, no conflicts (2 of 4 stars). 3 submissions from 3 submitters: Benign (3). Last evaluated 2021-07-14.

Conditions:
Geleophysic dysplasia 1 (GPHYSD1). Also called: Geleophysic dwarfism. Identifiers: Orphanet 2623, MedGen C3278147, MONDO:0009269, OMIM 231050.

Allele frequency attached by ClinVar (database versions not stated): 1000 Genomes Project 0.56729; 1000 Genomes Project 30x 0.57121; TOPMed 0.57177; gnomAD 0.59549 and 0.59705; gnomAD exomes 0.60204.
gnomAD v4.1: 887,241 of 1,476,806 alleles (60%); highest among the groups gnomAD compares: African/African-American, 61%; 268,778 homozygotes.

Submissions (4):

Genome-Nilou Lab
Classification: Benign for Geleophysic dysplasia 1. Last evaluated: 2021-07-14. Review status: criteria provided, single submitter. Criteria: ACMG Guidelines, 2015. Collection method: clinical testing. Allele origin: germline. Affected: no.

GeneDx
Classification: Benign. Last evaluated: 2018-06-19. Review status: criteria provided, single submitter. Criteria: GeneDx Variant Classification (06012015). Collection method: clinical testing. Allele origin: germline. Affected: yes.
Comment: This variant is considered likely benign or benign based on one or more of the following criteria: it is a conservative change, it occurs at a poorly conserved position in the protein, it is predicted to be benign by multiple in silico algorithms, and/or has population frequency not consistent with disease.

Breakthrough Genomics
Classification: Benign. Review status: criteria provided, single submitter. Criteria: ACMG Guidelines, 2015. Collection method: not provided. Allele origin: germline. Inheritance: Autosomal recessive inheritance. Affected: yes.

Dr. Peter K. Rogan Lab, Western University
No classification provided (evidence only). Condition: Hepatocellular carcinoma. Review status: no classification provided. Collection method: in vitro. Allele origin: not applicable. Functional consequence: retained intron. Not counted in ClinVar's aggregate classification.

NM_014694.4(ADAMTSL2):c.-150-79A>C

Gene: ADAMTSL2 (ADAMTS like 2; plus strand). Cytogenetic location: 9q34.2.
Variant type: single nucleotide variant.
Coding change: c.-150-79A>C on transcript NM_014694.4 (MANE Select); 79 bases into the intron before 150 bases upstream of the start codon, A replaced by C.
Molecular consequence: intron variant.
Genome position (GRCh38, 1-based): chr9:133,536,484, A>C. VCF-style: chr9-133536484-A-C. GRCh37 (hg19) VCF-style: chr9-136401606-A-C.
Other names: NC_000009.11:g.136401606A>C; c.-150-79A>C (NM_001145320.2).
Identifiers: ClinVar variation 680461 (VCV000680461.6), dbSNP rs11507717, ClinGen allele CA12974245.
Genomic context (GRCh38, chr9:133,536,484, plus strand): 5'-GCCCTTGGATCAAGGGTGGCACAGGCTTAGCACGCACACCGCCGCTGGGTGTCTTGCCTG[A>C]AGCAGGCATTACTAATCATTCACCAAGCTCCTTCTTGCTAAGCCTAGACTGAGGCGGGGG-3'